The following is an entry in ClinVar:

NM_016579.4(CD320):c.262G>T (p.Glu88Ter)

Gene: CD320 (CD320 molecule; minus strand). Cytogenetic location: 19p13.2.
Variant type: single nucleotide variant.
Coding change: c.262G>T on transcript NM_016579.4 (MANE Select); coding-DNA position 262, G replaced by T.
Protein change: p.Glu88Ter; replaces glutamic acid 88 with a stop codon.
Molecular consequence: nonsense. On other transcripts: intron variant (1).
Genome position (GRCh38, 1-based): chr19:8,305,037, C>A on the plus strand (G>T on the coding strand, the complement: CD320 is on the minus strand). VCF-style: chr19-8305037-C-A. GRCh37 (hg19) VCF-style: chr19-8369921-C-A.
Other names: c.143-949G>T (NM_001165895.2); short protein forms E88*.
Identifiers: ClinVar variation 5006048 (VCV005006048.2).

ClinVar aggregate classification (germline): Likely pathogenic (1 of 4 stars; one submission).

Conditions:
Methylmalonic acidemia due to transcobalamin receptor defect (MATR). Also called: METHYLMALONIC ACIDEMIA, TCblR TYPE; METHYLMALONIC ACIDURIA, TRANSIENT, DUE TO TRANSCOBALAMIN RECEPTOR DEFECT. Identifiers: Orphanet 280183, MedGen C4749905, MONDO:0013341, OMIM 613646.

gnomAD v4.1: 21 of 1,573,554 alleles (0.0013%); highest among the groups gnomAD compares: East Asian, 0.03%; no homozygotes.

Submission:

Juno Genomics, Hangzhou Juno Genomics, Inc
Classification: Likely pathogenic for Methylmalonic acidemia due to transcobalamin receptor defect. Review status: criteria provided, single submitter. Criteria: ACMG Guidelines, 2015. Collection method: clinical testing. Allele origin: germline.
Comment: Null variant in a gene where loss of function (LOF) is a known mechanism of disease.;Absent from controls (or at extremely low frequency if recessive) in Genome Aggregation Database.